The following is an entry in ClinVar:

ClinVar aggregate classification (germline): Uncertain significance (1 of 4 stars; one submission).

Conditions:
Hereditary cancer-predisposing syndrome. Also called: Neoplastic Syndromes, Hereditary; Tumor predisposition; Hereditary neoplastic syndrome; Hereditary Cancer Syndrome. Identifiers: Orphanet 140162, MedGen C0027672, MeSH D009386, MONDO:0015356.

Submission:

Ambry Genetics
Classification: Uncertain significance for Hereditary cancer-predisposing syndrome. Last evaluated: 2026-06-26. Review status: criteria provided, single submitter. Criteria: Ambry Variant Classification Scheme 2023. Collection method: clinical testing. Allele origin: germline.
Comment: The p.S2473A variant (also known as c.7417T>G), located in coding exon 15 of the APC gene, results from a T to G substitution at nucleotide position 7417. The serine at codon 2473 is replaced by alanine, an amino acid with similar properties. This amino acid position is conserved. In addition, in silico predictors for this gene do not accurately predict pathogenicity. Based on the available evidence, the clinical significance of this variant remains unclear.

NM_000038.6(APC):c.7417T>G (p.Ser2473Ala)

Gene: APC (APC regulator of Wnt signaling pathway; plus strand). Cytogenetic location: 5q22.2.
Variant type: single nucleotide variant.
Coding change: c.7417T>G on transcript NM_000038.6 (MANE Select); coding-DNA position 7417, T replaced by G.
Protein change: p.Ser2473Ala; replaces serine 2473 with alanine.
Molecular consequence: missense variant. On other transcripts: non-coding transcript variant (2).
Genome position (GRCh38, 1-based): chr5:112,843,011, T>G. VCF-style: chr5-112843011-T-G. GRCh37 (hg19) VCF-style: chr5-112178708-T-G.
Other names: c.7417T>G, p.Ser2473Ala (NM_001127510.3, NM_001354895.2, NM_001407450.1); c.7363T>G, p.Ser2455Ala (NM_001127511.3); c.7471T>G, p.Ser2491Ala (NM_001354896.2, NM_001407447.1, NM_001407448.1 and 1 more transcripts); c.7447T>G, p.Ser2483Ala (NM_001354897.2); c.7342T>G, p.Ser2448Ala (NM_001354898.2); c.7333T>G, p.Ser2445Ala (NM_001354899.2); c.7294T>G, p.Ser2432Ala (NM_001354900.2); c.7240T>G, p.Ser2414Ala (NM_001354901.2, NM_001407453.1); and 11 more; short protein forms S2190A, S2313A, S2414A, S2448A, S2466A, S2089A, S2347A, S2463A.
Identifiers: ClinVar variation 5024739 (VCV005024739.1).